The following is an entry in ClinVar:

ClinVar aggregate classification (germline): Uncertain significance (1 of 4 stars; one submission).

Conditions:
Meckel-Gruber syndrome. Also called: Dysencephalia splachnocystica; DYSENCEPHALIA SPLANCHNOCYSTICA; GRUBER SYNDROME. Identifiers: Orphanet 564, MedGen C0265215, MONDO:0018921.
Joubert syndrome. Also called: JOUBERT-BOLTSHAUSER SYNDROME; Familial aplasia of the vermis. Identifiers: Orphanet 475, MedGen C5979921, MONDO:0018772.

Submission:

Labcorp Genetics (formerly Invitae), Labcorp
Classification: Uncertain significance for Joubert syndrome; Meckel-Gruber syndrome. Last evaluated: 2017-12-13. Review status: criteria provided, single submitter. Criteria: Invitae Variant Classification Sherloc (09022015). Collection method: clinical testing. Allele origin: germline.
Comment: This variant is not present in population databases (ExAC no frequency). This variant has not been reported in the literature in individuals with CC2D2A-related disease. Algorithms developed to predict the effect of missense changes on protein structure and function do not agree on the potential impact of this missense change (SIFT: "Deleterious"; PolyPhen-2: "Possibly Damaging"; Align-GVGD: "Class C0"). This sequence change replaces glutamic acid with alanine at codon 896 of the CC2D2A protein (p.Glu896Ala). The glutamic acid residue is highly conserved and there is a moderate physicochemical difference between glutamic acid and alanine. In summary, the available evidence is currently insufficient to determine the role of this variant in disease. Therefore, it has been classified as a Variant of Uncertain Significance.

NM_001378615.1(CC2D2A):c.2687A>C (p.Glu896Ala)

Genes: CC2D2A (coiled-coil and C2 domain containing 2A; plus strand), FBXL5 (F-box and leucine rich repeat protein 5; minus strand). Cytogenetic location: 4p15.32.
Variant type: single nucleotide variant.
Coding change: c.2687A>C on transcript NM_001378615.1 (MANE Select); coding-DNA position 2687, A replaced by C.
Protein change: p.Glu896Ala; replaces glutamic acid 896 with alanine.
Molecular consequence: missense variant.
Genome position (GRCh38, 1-based): chr4:15,557,365, A>C. VCF-style: chr4-15557365-A-C. GRCh37 (hg19) VCF-style: chr4-15558988-A-C.
Other names: c.2687A>C, p.Glu896Ala (NM_001080522.2); c.2540A>C, p.Glu847Ala (NM_001378617.1); short protein forms E896A, E847A.
Identifiers: ClinVar variation 530901 (VCV000530901.9), dbSNP rs1553838206, ClinGen allele CA356412228.